The following is an entry in ClinVar:

NM_000412.5(HRG):c.952C>T (p.Pro318Ser)

Gene: HRG (histidine rich glycoprotein; plus strand). Cytogenetic location: 3q27.3.
Variant type: single nucleotide variant.
Coding change: c.952C>T on transcript NM_000412.5 (MANE Select); coding-DNA position 952, C replaced by T.
Protein change: p.Pro318Ser; replaces proline 318 with serine.
Molecular consequence: missense variant.
Genome position (GRCh38, 1-based): chr3:186,677,257, C>T. VCF-style: chr3-186677257-C-T. GRCh37 (hg19) VCF-style: chr3-186395046-C-T.
Other names: short protein forms P318S.
Identifiers: ClinVar variation 712516 (VCV000712516.37), dbSNP rs115876426, ClinGen allele CA2745839.

ClinVar aggregate classification (germline): Benign/Likely benign. Review status: criteria provided, multiple submitters, no conflicts (2 of 4 stars). 5 submissions from 5 submitters: Benign (3); Likely benign (1). 1 of the submissions does not count toward it. Last evaluated 2025-08-18.

Conditions:
HRG-related disorder. Also called: HRG-related condition.

Allele frequency attached by ClinVar (database versions not stated): gnomAD exomes 0.00111 and 0.00260; ExAC 0.00315; gnomAD 0.00946 and 0.01009; ESP Exome Variant Server 0.00969; TOPMed 0.01031; 1000 Genomes Project 0.01118; 1000 Genomes Project 30x 0.01234.
gnomAD v4.1: 3,153 of 1,614,128 alleles (0.2%); highest among the groups gnomAD compares: African/African-American, 3.3%; 51 homozygotes.

Submissions (5):

Genomic Medicine Center of Excellence, King Faisal Specialist Hospital and Research Centre
Classification: Likely benign. Last evaluated: 2025-08-18. Review status: criteria provided, single submitter. Criteria: ACMG Guidelines, 2015. Collection method: clinical testing. Allele origin: germline.

CeGaT Center for Human Genetics Tuebingen
Classification: Benign. Last evaluated: 2022-07-01. Review status: criteria provided, single submitter. Criteria: CeGaT Center For Human Genetics Tuebingen Variant Classification Criteria Version 2. Collection method: clinical testing. Allele origin: germline. Affected: yes. Observed: 2 variant alleles.
Comment: HRG: BP4, BS1, BS2

Labcorp Genetics (formerly Invitae), Labcorp
Classification: Benign. Last evaluated: 2019-12-31. Review status: criteria provided, single submitter. Criteria: Invitae Variant Classification Sherloc (09022015). Collection method: clinical testing. Allele origin: germline.

Breakthrough Genomics
Classification: Benign. Review status: criteria provided, single submitter. Criteria: ACMG Guidelines, 2015. Collection method: not provided. Allele origin: germline. Inheritance: Autosomal dominant inheritance. Affected: yes.

PreventionGenetics, part of Exact Sciences
Classification: Benign for HRG-related condition. Last evaluated: 2019-07-01. Review status: no assertion criteria provided. Collection method: clinical testing. Allele origin: germline. Not counted in ClinVar's aggregate classification.
Comment: This variant is classified as benign based on ACMG/AMP sequence variant interpretation guidelines (Richards et al. 2015 PMID: 25741868, with internal and published modifications).